The following is an entry in ClinVar:

ClinVar aggregate classification (germline): Uncertain significance. Review status: criteria provided, multiple submitters, no conflicts (2 of 4 stars). 2 submissions from 2 submitters: Uncertain significance (2). Last evaluated 2025-03-26.

Conditions:
Inborn genetic diseases. Identifiers: MedGen C0950123, MeSH D030342.

Allele frequency attached by ClinVar (database versions not stated): gnomAD 0.00001; TOPMed 0.00001.
gnomAD v4.1: 1 of 1,613,656 alleles (0.000062%); highest among the groups gnomAD compares: African/African-American, 0.0013%; no homozygotes.

Submissions (2):

Ambry Genetics
Classification: Uncertain significance for Inborn genetic diseases. Last evaluated: 2025-03-26. Review status: criteria provided, single submitter. Criteria: Ambry Variant Classification Scheme 2023. Collection method: clinical testing. Allele origin: germline.

GeneDx
Classification: Uncertain significance. Last evaluated: 2017-04-18. Review status: criteria provided, single submitter. Criteria: GeneDx Variant Classification (06012015). Collection method: clinical testing. Allele origin: germline. Affected: yes.
Comment: A variant of uncertain significance has been identified in the SCN2A gene. The L751F variant has not been published as a pathogenic variant, nor has it been reported as a benign variant to our knowledge. The L751F variant is a conservative amino acid substitution, which is not likely to impact secondary protein structure as these residues share similar properties. This substitution occurs at a position where amino acids with similar properties to Lysine are tolerated across species, and is predicted to be within the cytoplasmic loop between the first and second homologous domains. In silico analysis predicts this variant likely does not alter the protein structure/function. However, the L751F variant is not observed in large population cohorts (Lek et al., 2016; 1000 Genomes Consortium et al., 2015; Exome Variant Server). Therefore, based on the currently available information, it is unclear whether this variant is a pathogenic variant or a rare benign variant.

NM_001040142.2(SCN2A):c.2251C>T (p.Leu751Phe)

Gene: SCN2A (sodium voltage-gated channel alpha subunit 2; plus strand). Cytogenetic location: 2q24.3.
Variant type: single nucleotide variant.
Coding change: c.2251C>T on transcript NM_001040142.2 (MANE Select); coding-DNA position 2251, C replaced by T.
Protein change: p.Leu751Phe; replaces leucine 751 with phenylalanine.
Molecular consequence: missense variant.
Genome position (GRCh38, 1-based): chr2:165,331,431, C>T. VCF-style: chr2-165331431-C-T. GRCh37 (hg19) VCF-style: chr2-166187941-C-T.
Other names: c.2251C>T, p.Leu751Phe (NM_001040143.2, NM_001371246.1, NM_001371247.1 and 1 more transcripts); short protein forms L751F.
Identifiers: ClinVar variation 426398 (VCV000426398.3), dbSNP rs1085307603, ClinGen allele CA349030983.